The following is an entry in ClinVar:

NM_001018111.3(PODXL):c.116C>T (p.Thr39Met)

Gene: PODXL (podocalyxin like; minus strand). Cytogenetic location: 7q32.3.
Variant type: single nucleotide variant.
Coding change: c.116C>T on transcript NM_001018111.3 (MANE Select); coding-DNA position 116, C replaced by T.
Protein change: p.Thr39Met; replaces threonine 39 with methionine.
Molecular consequence: missense variant.
Genome position (GRCh38, 1-based): chr7:131,511,418, G>A on the plus strand (C>T on the coding strand, the complement: PODXL is on the minus strand). VCF-style: chr7-131511418-G-A. GRCh37 (hg19) VCF-style: chr7-131196177-G-A.
Other names: c.116C>T, p.Thr39Met (NM_005397.4); short protein forms T39M.
Identifiers: ClinVar variation 2964881 (VCV002964881.3), dbSNP rs757853373, ClinGen allele CA4488764.
Genomic context (GRCh38, chr7:131,511,418, plus strand): 5'-TCTGTAGCCATGATGGTGACACTGGATGCTGGAGTCGGTGCTGTTTTGTTAGATGAGTCC[G>A]TAGTAGTCTGGGTTGCTGTTTGTAAAGATAACAGAGAATGGAGTTAGGGCTGGGAGGCTT-3'
Protein context (NP_001018121.1, residues 29-49): SPSQNATQTT[Thr39Met]DSSNKTAPTP

ClinVar aggregate classification (germline): Uncertain significance (1 of 4 stars; one submission).

Allele frequency attached by ClinVar (database versions not stated): TOPMed 0.00001; gnomAD 0.00002; gnomAD exomes 0.00004; ExAC 0.00005.
gnomAD v4.1: 55 of 1,600,730 alleles (0.0034%); highest among the groups gnomAD compares: South Asian, 0.023%; no homozygotes.

Submission:

Labcorp Genetics (formerly Invitae), Labcorp
Classification: Uncertain significance. Last evaluated: 2024-04-25. Review status: criteria provided, single submitter. Criteria: Invitae Variant Classification Sherloc (09022015). Collection method: clinical testing. Allele origin: germline.
Comment: This sequence change replaces threonine, which is neutral and polar, with methionine, which is neutral and non-polar, at codon 39 of the PODXL protein (p.Thr39Met). This variant is present in population databases (rs757853373, gnomAD 0.03%). This variant has not been reported in the literature in individuals affected with PODXL-related conditions. An algorithm developed to predict the effect of missense changes on protein structure and function (PolyPhen-2) suggests that this variant is likely to be disruptive. In summary, the available evidence is currently insufficient to determine the role of this variant in disease. Therefore, it has been classified as a Variant of Uncertain Significance.